The following is an entry in ClinVar:

NM_001035.3(RYR2):c.11188C>A (p.Arg3730=)

Gene: RYR2 (ryanodine receptor 2; plus strand). Cytogenetic location: 1q43.
Variant type: single nucleotide variant.
Coding change: c.11188C>A on transcript NM_001035.3 (MANE Select); coding-DNA position 11188, C replaced by A.
Protein change: p.Arg3730=; no amino-acid change (arginine 3730 retained).
Molecular consequence: synonymous variant.
Genome position (GRCh38, 1-based): chr1:237,756,330, C>A. VCF-style: chr1-237756330-C-A. GRCh37 (hg19) VCF-style: chr1-237919630-C-A.
Other names: c.11188C>A (NM_001035.2).
Identifiers: ClinVar variation 3070967 (VCV003070967.2), dbSNP rs2149261911, ClinGen allele CA423821758.
Genomic context (GRCh38, chr1:237,756,330, plus strand): 5'-GTTGGGATTTGTGTTCAGGAAAAAGAAATGGAAAAGCAAAAGCTTCTATACCAGCAAGCC[C>A]GACTCCACGATCGTGGCGCGGCTGAGATGGTGCTACAGACAATCAGTGCCAGCAAAGGTA-3'
Protein context (NP_001026.2, residues 3720-3740): EKQKLLYQQA[Arg3730=]LHDRGAAEMV

ClinVar aggregate classification (germline): Likely benign. Review status: criteria provided, multiple submitters, no conflicts (2 of 4 stars). 2 submissions from 2 submitters: Likely benign (2). Last evaluated 2024-10-28.

Conditions:
Cardiovascular phenotype. Identifiers: MedGen CN230736.
Catecholaminergic polymorphic ventricular tachycardia (CVPT). Also called: Catecholamine-induced polymorphic ventricular tachycardia. Identifiers: Orphanet 3286, MedGen C5574922, MONDO:0017990.

Submissions (2):

Ambry Genetics
Classification: Likely benign for Cardiovascular phenotype. Last evaluated: 2024-10-28. Review status: criteria provided, single submitter. Criteria: Ambry Variant Classification Scheme 2023. Collection method: clinical testing. Allele origin: germline.

All of Us Research Program, National Institutes of Health
Classification: Likely benign for Catecholaminergic polymorphic ventricular tachycardia. Last evaluated: 2023-05-15. Review status: criteria provided, single submitter. Criteria: ACMG Guidelines, 2015. Collection method: clinical testing. Allele origin: germline. Inheritance: Autosomal dominant inheritance. Observed: 1 variant allele, 1 heterozygote.
Comment: This study involves interpretation of variants in research participants for the purpose of population health screening. Participant phenotype was not available at the time of variant classification. Additional details can be found in publication PMID: 35346344, PMCID: PMC8962531